The following is an entry in ClinVar:

ClinVar aggregate classification (germline): Uncertain significance (1 of 4 stars; one submission).

Submission:

Ambry Genetics
Classification: Uncertain significance. Last evaluated: 2022-06-02. Review status: criteria provided, single submitter. Criteria: Ambry Variant Classification Scheme 2023. Collection method: clinical testing. Allele origin: germline.
Comment: The p.R3784K variant (also known as c.11351G>A), located in coding exon 79 of the PRKDC gene, results from a G to A substitution at nucleotide position 11351. The arginine at codon 3784 is replaced by lysine, an amino acid with highly similar properties. This amino acid position is conserved. Since supporting evidence is limited at this time, the clinical significance of this alteration remains unclear.

NM_006904.7(PRKDC):c.11351G>A (p.Arg3784Lys)

Gene: PRKDC (protein kinase, DNA-activated, catalytic subunit; minus strand). Cytogenetic location: 8q11.21.
Variant type: single nucleotide variant.
Coding change: c.11351G>A on transcript NM_006904.7 (MANE Select); coding-DNA position 11351, G replaced by A.
Protein change: p.Arg3784Lys; replaces arginine 3784 with lysine.
Molecular consequence: missense variant.
Genome position (GRCh38, 1-based): chr8:47,782,423, C>T on the plus strand (G>A on the coding strand, the complement: PRKDC is on the minus strand). VCF-style: chr8-47782423-C-T. GRCh37 (hg19) VCF-style: chr8-48694984-C-T.
Other names: c.11351G>A, p.Arg3784Lys (NM_001081640.2); short protein forms R3784K.
Identifiers: ClinVar variation 1729455 (VCV001729455.2), dbSNP rs2551860394, ClinGen allele CA371129790.
Genomic context (GRCh38, chr8:47,782,423, plus strand): 5'-CAGCCTGGCAGTTACCTGGAGGTCATGGGCACAACGCTATAGGTCCTCAGCTGCAGGGCC[C>T]TCTGGCTGCAGGCGGAGTCTTGGGCCAGGATCCCATTCATGACCTGGAAGAGCTGCTCCA-3'
Protein context (NP_008835.5, residues 3774-3794): ILAQDSACSQ[Arg3784Lys]ALQLRTYSVV